The following is an entry in ClinVar:

ClinVar aggregate classification (germline): Uncertain significance (1 of 4 stars; one submission).

Submission:

GeneDx
Classification: Uncertain significance. Last evaluated: 2019-07-23. Review status: criteria provided, single submitter. Criteria: GeneDx Variant Classification Process June 2021. Collection method: clinical testing. Allele origin: germline. Affected: yes.
Comment: Not observed in large population cohorts (Lek et al., 2016); In silico analysis, which includes protein predictors and evolutionary conservation, supports that this variant does not alter protein structure/function; Has not been previously published as pathogenic or benign to our knowledge; Variants in candidate genes are classified as variants of uncertain significance in accordance with ACMG guidelines (Richards et al., 2015)

NM_001394372.1(BICRA):c.2106G>C (p.Gln702His)

Gene: BICRA (BRD4 interacting chromatin remodeling complex associated protein; plus strand). Cytogenetic location: 19q13.33.
Variant type: single nucleotide variant.
Coding change: c.2106G>C on transcript NM_001394372.1 (MANE Select); coding-DNA position 2106, G replaced by C.
Protein change: p.Gln702His; replaces glutamine 702 with histidine.
Molecular consequence: missense variant.
Genome position (GRCh38, 1-based): chr19:47,681,276, G>C. VCF-style: chr19-47681276-G-C. GRCh37 (hg19) VCF-style: chr19-48184533-G-C.
Other names: c.2106G>C, p.Gln702His (NM_015711.3); short protein forms Q702H.
Identifiers: ClinVar variation 1318614 (VCV001318614.2), dbSNP rs1253945309, ClinGen allele CA406616964.